The following is an entry in ClinVar:

NM_000257.4(MYH7):c.3376C>T (p.Arg1126Cys)

Gene: MYH7 (myosin heavy chain 7; minus strand). Cytogenetic location: 14q11.2.
Variant type: single nucleotide variant.
Coding change: c.3376C>T on transcript NM_000257.4 (MANE Select); coding-DNA position 3376, C replaced by T.
Protein change: p.Arg1126Cys; replaces arginine 1126 with cysteine.
Molecular consequence: missense variant.
Genome position (GRCh38, 1-based): chr14:23,420,195, G>A on the plus strand (C>T on the coding strand, the complement: MYH7 is on the minus strand). VCF-style: chr14-23420195-G-A. GRCh37 (hg19) VCF-style: chr14-23889404-G-A.
Other names: c.3376C>T (LRG_384t1); short protein forms R1126C.
Identifiers: ClinVar variation 407199 (VCV000407199.10), dbSNP rs767561318, ClinGen allele CA037156.
Genomic context (GRCh38, chr14:23,420,195, plus strand): 5'-TCTCCTCCAGCTCCCGAGACAGGTCTGAGCGCAGCTTCTCCACCTTAGCCCTGGCGGTGC[G>A]CTCGGCCTCCAGCTCCTCCTCCAGCTCCTCGATGCGTGCCTGGTCAGACACAAAGGGCTC-3'
Protein context (NP_000248.2, residues 1116-1136): EELEEELEAE[Arg1126Cys]TARAKVEKLR

ClinVar aggregate classification (germline): Uncertain significance. Review status: criteria provided, multiple submitters, no conflicts (2 of 4 stars). 3 submissions from 3 submitters: Uncertain significance (3). Last evaluated 2025-06-12.

Conditions:
Cardiomyopathy (CMYO). Also called: Cardiomyopathies. Identifiers: Orphanet 167848, MedGen C0878544, MONDO:0004994, HP:0001638. Inheritance: Various modes of inheritance.
Hypertrophic cardiomyopathy. Also called: HYPERTROPHIC MYOCARDIOPATHY. Identifiers: Orphanet 217569, MedGen C0007194, MeSH D002312, MONDO:0005045, HP:0001639.

Allele frequency attached by ClinVar (database versions not stated): gnomAD exomes below 0.00001; ExAC 0.00001.

Submissions (3):

Color Diagnostics, LLC DBA Color Health
Classification: Uncertain significance for Cardiomyopathy. Last evaluated: 2025-06-12. Review status: criteria provided, single submitter. Criteria: ACMG Guidelines, 2015. Collection method: clinical testing. Allele origin: germline.
Comment: This missense variant replaces arginine with cysteine at codon 1126 of the MYH7 protein. Computational prediction suggests that this variant may have a deleterious impact on protein structure and function. To our knowledge, functional studies have not been reported for this variant. This variant has not been reported in individuals affected with MYH7-related disorders in the literature. This variant has been identified in 1/242002 chromosomes in the general population by the Genome Aggregation Database (gnomAD). The available evidence is insufficient to determine the role of this variant in disease conclusively. Therefore, this variant is classified as a Variant of Uncertain Significance.

Molecular Diagnostic Laboratory for Inherited Cardiovascular Disease, Montreal Heart Institute
Classification: Uncertain significance. Last evaluated: 2016-07-29. Review status: criteria provided, single submitter. Criteria: ACMG Guidelines, 2015. Collection method: clinical testing. Allele origin: germline. Affected: yes.

Labcorp Genetics (formerly Invitae), Labcorp
Classification: Uncertain significance for Hypertrophic cardiomyopathy. Last evaluated: 2016-06-13. Review status: criteria provided, single submitter. Criteria: Invitae Variant Classification Sherloc (09022015). Collection method: clinical testing. Allele origin: germline.
Comment: This variant is present in population databases (rs767561318, ExAC <0.01%) but has not been reported in the literature in individuals with a MYH7-related disease. This sequence change replaces arginine with cysteine at codon 1126 of the MYH7 protein (p.Arg1126Cys). The arginine residue is highly conserved and there is a large physicochemical difference between arginine and cysteine. A computational algorithm designed to assess the pathogenicity of variants in MYH7 with regard to hypertrophic cardiomyopathy predicted this sequence change to be deleterious. The algorithm has a sensitivity of 94% and a specificity of 89% (PMID: 21310275). In summary, this variant is a rare missense change with uncertain impact on protein function. There is no indication that it causes disease, but the available evidence is currently insufficient to prove that conclusively. Therefore, it has been classified as a Variant of Uncertain Significance.

Literature cited by the submitters: PubMed 21310275 (cited by Labcorp Genetics (formerly Invitae), Labcorp).